The following is an entry in ClinVar:

ClinVar aggregate classification (germline): Uncertain significance. Review status: criteria provided, multiple submitters, no conflicts (2 of 4 stars). 2 submissions from 2 submitters: Uncertain significance (2). Last evaluated 2023-07-19.

Conditions:
Inborn genetic diseases. Identifiers: MedGen C0950123, MeSH D030342.

Allele frequency attached by ClinVar (database versions not stated): gnomAD 0.00001; gnomAD exomes 0.00001.
gnomAD v4.1: 10 of 1,614,098 alleles (0.00062%); highest among the groups gnomAD compares: Non-Finnish European, 0.00076%; no homozygotes.

Submissions (2):

Ambry Genetics
Classification: Uncertain significance for Inborn genetic diseases. Last evaluated: 2023-07-19. Review status: criteria provided, single submitter. Criteria: Ambry Variant Classification Scheme 2023. Collection method: clinical testing. Allele origin: germline.

GeneDx
Classification: Uncertain significance. Last evaluated: 2019-08-14. Review status: criteria provided, single submitter. Criteria: GeneDx Variant Classification Process June 2021. Collection method: clinical testing. Allele origin: germline. Affected: yes.
Comment: In silico analysis, which includes protein predictors and evolutionary conservation, supports a deleterious effect; Has not been previously published as pathogenic or benign to our knowledge

NM_001059.3(TACR3):c.514A>G (p.Ser172Gly)

Gene: TACR3 (tachykinin receptor 3; minus strand). Cytogenetic location: 4q24.
Variant type: single nucleotide variant.
Coding change: c.514A>G on transcript NM_001059.3 (MANE Select); coding-DNA position 514, A replaced by G.
Protein change: p.Ser172Gly; replaces serine 172 with glycine.
Molecular consequence: missense variant.
Genome position (GRCh38, 1-based): chr4:103,719,162, T>C on the plus strand (A>G on the coding strand, the complement: TACR3 is on the minus strand). VCF-style: chr4-103719162-T-C. GRCh37 (hg19) VCF-style: chr4-104640319-T-C.
Other names: short protein forms S172G.
Identifiers: ClinVar variation 1307825 (VCV001307825.4), dbSNP rs199505146, ClinGen allele CA103202947.